The following is an entry in ClinVar:

NM_000321.3(RB1):c.2058_2066del (p.His686_Leu688del)

Gene: RB1 (RB transcriptional corepressor 1; plus strand). Cytogenetic location: 13q14.2.
Variant type: Deletion.
Coding change: c.2058_2066del on transcript NM_000321.3 (MANE Select); coding-DNA positions 2058 to 2066, 9 bases deleted (CACCCTGCA; older notation c.2058_2066delCACCCTGCA).
Protein change: p.His686_Leu688del.
Genome position (GRCh38, 1-based): chr13:48,459,785-48,459,793, CACCCTGCA deleted; deleting any 9 consecutive bases within chr13:48,459,782-48,459,793 gives the same sequence; the c. name uses the placement nearest the transcript's 3' end. VCF-style (leftmost placement, unchanged base first): chr13-48459781-AGCACACCCT-A. GRCh37 (hg19) VCF-style: chr13-49033917-AGCACACCCT-A.
Other names: c.2058_2066del, p.His686_Leu688del (NM_001407165.1).
Identifiers: ClinVar variation 3650031 (VCV003650031.2).
Genomic context (GRCh38, chr13:48,459,781, plus strand): 5'-TTTGTGAACGCCTTCTGTCTGAGCACCCAGAATTAGAACATATCATCTGGACCCTTTTCC[AGCACACCCT>A]GCAGAATGAGTATGAACTCATGAGAGACAGGCATTTGGACCAAGTAAGAAAATCAAGCAC-3'

ClinVar aggregate classification (germline): Uncertain significance (1 of 4 stars; one submission).

Conditions:
Retinoblastoma (RB1). Also called: RETINOBLASTOMA, SOMATIC. Identifiers: Orphanet 790, MedGen C0035335, MeSH D012175, MONDO:0008380, OMIM 180200, HP:0009919. Disease mechanism: loss of function. Inheritance: Both sporadic and heritable forms are tested..

Submission:

Labcorp Genetics (formerly Invitae), Labcorp
Classification: Uncertain significance for Retinoblastoma. Last evaluated: 2024-04-15. Review status: criteria provided, single submitter. Criteria: Invitae Variant Classification Sherloc (09022015). Collection method: clinical testing. Allele origin: germline.
Comment: This variant, c.2058_2066del, results in the deletion of 3 amino acid(s) of the RB1 protein (p.His686_Leu688del), but otherwise preserves the integrity of the reading frame. This variant is not present in population databases (gnomAD no frequency). This variant has been observed in individual(s) with retinoblastoma (Invitae). This variant disrupts a region of the RB1 protein in which other variant(s) (p.Leu688Arg) have been observed in individuals with RB1-related conditions (PMID: 17960112). This suggests that this is a clinically significant region of the protein, and that variants that disrupt it are likely to be disease-causing. In summary, the available evidence is currently insufficient to determine the role of this variant in disease. Therefore, it has been classified as a Variant of Uncertain Significance.

Literature cited by the submitters: PubMed 17960112.